The following is an entry in ClinVar:

NM_001365276.2(TNXB):c.815G>A (p.Gly272Asp)

Gene: TNXB (tenascin XB; minus strand). Cytogenetic location: 6p21.33.
Variant type: single nucleotide variant.
Coding change: c.815G>A on transcript NM_001365276.2 (MANE Select); coding-DNA position 815, G replaced by A.
Protein change: p.Gly272Asp; replaces glycine 272 with aspartic acid.
Molecular consequence: missense variant.
Genome position (GRCh38, 1-based): chr6:32,097,038, C>T on the plus strand (G>A on the coding strand, the complement: TNXB is on the minus strand). VCF-style: chr6-32097038-C-T. GRCh37 (hg19) VCF-style: chr6-32064815-C-T.
Other names: c.815G>A, p.Gly272Asp (NM_001428335.1, NM_019105.8); c.815G>A (NM_019105.6); short protein forms G272D.
Identifiers: ClinVar variation 4537069 (VCV004537069.2).

ClinVar aggregate classification (germline): Uncertain significance. Review status: criteria provided, multiple submitters, no conflicts (2 of 4 stars). 2 submissions from 2 submitters: Uncertain significance (2). Last evaluated 2026-07-26.

Conditions:
Cardiovascular phenotype. Identifiers: MedGen CN230736.

gnomAD v4.1: 4 of 1,613,644 alleles (0.00025%); highest among the groups gnomAD compares: East Asian, 0.0045%; no homozygotes.

Submissions (2):

Ambry Genetics
Classification: Uncertain significance for Cardiovascular phenotype. Last evaluated: 2026-07-26. Review status: criteria provided, single submitter. Criteria: Ambry Variant Classification Scheme 2023. Collection method: clinical testing. Allele origin: germline.
Comment: The p.G272D variant (also known as c.815G>A), located in coding exon 2 of the TNXB gene, results from a G to A substitution at nucleotide position 815. The glycine at codon 272 is replaced by aspartic acid, an amino acid with similar properties. This amino acid position is conserved. In addition, this alteration is predicted to be deleterious by in silico analysis. Based on the available evidence, the clinical significance of this variant remains unclear.

Women's Health and Genetics/Laboratory Corporation of America, LabCorp
Classification: Uncertain significance. Last evaluated: 2025-11-04. Review status: criteria provided, single submitter. Criteria: LabCorp Variant Classification Summary - May 2015. Collection method: clinical testing. Allele origin: germline.
Comment: Variant summary: TNXB c.815G>A (p.Gly272Asp) results in a non-conservative amino acid change in the encoded protein sequence. Algorithms developed to predict the effect of missense changes on protein structure and function all suggest that this variant is likely to be disruptive. The variant allele was found at a frequency of 4e-06 in 248854 control chromosomes. The available data on variant occurrences in the general population are insufficient to allow any conclusion about variant significance. To our knowledge, no occurrence of c.815G>A in individuals affected with TNXB-related conditions and no experimental evidence demonstrating its impact on protein function have been reported. No submitters have cited clinical-significance assessments for this variant to ClinVar. Based on the evidence outlined above, the variant was classified as uncertain significance.